The following is an entry in ClinVar:

NM_031229.4(RBCK1):c.833A>T (p.Glu278Val)

Gene: RBCK1 (RANBP2-type and C3HC4-type zinc finger containing 1; plus strand). Cytogenetic location: 20p13.
Variant type: single nucleotide variant.
Coding change: c.833A>T on transcript NM_031229.4 (MANE Select); coding-DNA position 833, A replaced by T.
Protein change: p.Glu278Val; replaces glutamic acid 278 with valine.
Molecular consequence: missense variant. On other transcripts: non-coding transcript variant (1), intron variant (2).
Genome position (GRCh38, 1-based): chr20:420,947, A>T. VCF-style: chr20-420947-A-T. GRCh37 (hg19) VCF-style: chr20-401591-A-T.
Other names: c.707A>T, p.Glu236Val (NM_006462.6); c.408-1180A>T (NM_001323956.2, NM_001323958.2); short protein forms E236V, E278V.
Identifiers: ClinVar variation 952510 (VCV000952510.7), dbSNP rs758729708, ClinGen allele CA9723202.

ClinVar aggregate classification (germline): Uncertain significance. Review status: criteria provided, multiple submitters, no conflicts (2 of 4 stars). 2 submissions from 2 submitters: Uncertain significance (2). Last evaluated 2022-05-29.

Conditions:
Polyglucosan body myopathy type 1 (PGBM1). Also called: Polyglucosan body myopathy 1 with or without immunodeficiency; POLYGLUCOSAN BODY MYOPATHY WITHOUT IMMUNODEFICIENCY. Identifiers: Orphanet 329173, Orphanet 397937, MedGen C4014605, MONDO:0014389, OMIM 615895.

Allele frequency attached by ClinVar (database versions not stated): gnomAD 0.00003 and 0.00004; TOPMed 0.00004; gnomAD exomes 0.00013; ExAC 0.00033.
gnomAD v4.1: 74 of 1,555,178 alleles (0.0048%); highest among the groups gnomAD compares: Non-Finnish European, 0.00087%; no homozygotes.

Submissions (2):

Labcorp Genetics (formerly Invitae), Labcorp
Classification: Uncertain significance for Polyglucosan body myopathy type 1. Last evaluated: 2022-05-29. Review status: criteria provided, single submitter. Criteria: Invitae Variant Classification Sherloc (09022015). Collection method: clinical testing. Allele origin: germline.
Comment: This sequence change replaces glutamic acid, which is acidic and polar, with valine, which is neutral and non-polar, at codon 278 of the RBCK1 protein (p.Glu278Val). This variant is present in population databases (rs758729708, gnomAD 0.2%). This variant has not been reported in the literature in individuals affected with RBCK1-related conditions. ClinVar contains an entry for this variant (Variation ID: 952510). Algorithms developed to predict the effect of missense changes on protein structure and function are either unavailable or do not agree on the potential impact of this missense change (SIFT: "Not Available"; PolyPhen-2: "Benign"; Align-GVGD: "Not Available"). In summary, the available evidence is currently insufficient to determine the role of this variant in disease. Therefore, it has been classified as a Variant of Uncertain Significance.

GeneDx
Classification: Uncertain significance. Last evaluated: 2019-06-18. Review status: criteria provided, single submitter. Criteria: GeneDx Variant Classification Process June 2021. Collection method: clinical testing. Allele origin: germline. Affected: yes.
Comment: In silico analysis, which includes protein predictors and evolutionary conservation, supports a deleterious effect; Has not been previously published as pathogenic or benign to our knowledge